The following is an entry in ClinVar:

ClinVar aggregate classification (germline): Uncertain significance (1 of 4 stars; one submission).

Submission:

GeneDx
Classification: Uncertain significance. Last evaluated: 2025-06-25. Review status: criteria provided, single submitter. Criteria: GeneDx Variant Classification Process June 2021. Collection method: clinical testing. Allele origin: germline. Affected: yes.
Comment: Not observed at significant frequency in large population cohorts (gnomAD); In silico analysis supports that this missense variant has a deleterious effect on protein structure/function; Has not been previously published as pathogenic or benign to our knowledge

NM_018684.4(ZC4H2):c.116A>G (p.Glu39Gly)

Gene: ZC4H2 (zinc finger C4H2-type containing; minus strand). Cytogenetic location: Xq11.2.
Variant type: single nucleotide variant.
Coding change: c.116A>G on transcript NM_018684.4 (MANE Select); coding-DNA position 116, A replaced by G.
Protein change: p.Glu39Gly; replaces glutamic acid 39 with glycine.
Molecular consequence: missense variant. On other transcripts: non-coding transcript variant (1).
Genome position (GRCh38, 1-based): chrX:64,921,926, T>C on the plus strand (A>G on the coding strand, the complement: ZC4H2 is on the minus strand). VCF-style: chrX-64921926-T-C. GRCh37 (hg19) VCF-style: chrX-64141806-T-C.
Other names: c.47A>G, p.Glu16Gly (NM_001178032.3, NM_001243804.2); c.116A>G, p.Glu39Gly (NM_001178033.3); short protein forms E39G, E16G.
Identifiers: ClinVar variation 391829 (VCV000391829.4), dbSNP rs1057524253, ClinGen allele CA16608971.